The following is an entry in ClinVar:

NM_001130009.3(GEN1):c.1863C>G (p.Ile621Met)

Gene: GEN1 (GEN1 structure-specific endonuclease; plus strand). Cytogenetic location: 2p24.2.
Variant type: single nucleotide variant.
Coding change: c.1863C>G on transcript NM_001130009.3 (MANE Select); coding-DNA position 1863, C replaced by G.
Protein change: p.Ile621Met; replaces isoleucine 621 with methionine.
Molecular consequence: missense variant.
Genome position (GRCh38, 1-based): chr2:17,781,075, C>G. VCF-style: chr2-17781075-C-G. GRCh37 (hg19) VCF-style: chr2-17962342-C-G.
Other names: c.1863C>G, p.Ile621Met (NM_182625.5); c.1863C>G (NM_001130009.1); short protein forms I621M.
Identifiers: ClinVar variation 1024000 (VCV001024000.10), dbSNP rs1411555527, ClinGen allele CA345926792.
Genomic context (GRCh38, chr2:17,781,075, plus strand): 5'-TCAAAGGAATACTTTTTCTCATGATTTAAAATCAGAAGTTGAATCAGAGCTATCAGCCAT[C>G]CCTGATGGCTTTGAAAATATCCCAGAACAACTGTCCTGTGAATCAGAAAGGTACACTGCA-3'
Protein context (NP_001123481.3, residues 611-631): KSEVESELSA[Ile621Met]PDGFENIPEQ

ClinVar aggregate classification (germline): Uncertain significance. Review status: criteria provided, multiple submitters, no conflicts (2 of 4 stars). 2 submissions from 2 submitters: Uncertain significance (2). Last evaluated 2025-04-30.

Allele frequency attached by ClinVar (database versions not stated): gnomAD 0.00001; gnomAD exomes 0.00002.
gnomAD v4.1: 16 of 1,613,508 alleles (0.00099%); highest among the groups gnomAD compares: Non-Finnish European, 0.0014%; no homozygotes.

Submissions (2):

Labcorp Genetics (formerly Invitae), Labcorp
Classification: Uncertain significance. Last evaluated: 2025-04-30. Review status: criteria provided, single submitter. Criteria: Invitae Variant Classification Sherloc (09022015). Collection method: clinical testing. Allele origin: germline.
Comment: This sequence change replaces isoleucine, which is neutral and non-polar, with methionine, which is neutral and non-polar, at codon 621 of the GEN1 protein (p.Ile621Met). This variant is present in population databases (no rsID available, gnomAD 0.004%). This variant has not been reported in the literature in individuals affected with GEN1-related conditions. ClinVar contains an entry for this variant (Variation ID: 1024000). An algorithm developed to predict the effect of missense changes on protein structure and function (PolyPhen-2) suggests that this variant is likely to be disruptive. In summary, the available evidence is currently insufficient to determine the role of this variant in disease. Therefore, it has been classified as a Variant of Uncertain Significance.

Ambry Genetics
Classification: Uncertain significance. Last evaluated: 2025-01-13. Review status: criteria provided, single submitter. Criteria: Ambry Variant Classification Scheme 2023. Collection method: clinical testing. Allele origin: germline.
Comment: The p.I621M variant (also known as c.1863C>G), located in coding exon 13 of the GEN1 gene, results from a C to G substitution at nucleotide position 1863. The isoleucine at codon 621 is replaced by methionine, an amino acid with highly similar properties. This amino acid position is conserved. In addition, this alteration is predicted to be tolerated by in silico analysis. Based on the available evidence, the clinical significance of this variant remains unclear.